The following is an entry in ClinVar:

NM_001098671.2(RASGRP2):c.999G>A (p.Lys333=)

Gene: RASGRP2 (RAS guanyl releasing protein 2; minus strand). Cytogenetic location: 11q13.1.
Variant type: single nucleotide variant.
Coding change: c.999G>A on transcript NM_001098671.2 (MANE Select); coding-DNA position 999, G replaced by A.
Protein change: p.Lys333=; no amino-acid change (lysine 333 retained).
Molecular consequence: synonymous variant.
Genome position (GRCh38, 1-based): chr11:64,736,849, C>T on the plus strand (G>A on the coding strand, the complement: RASGRP2 is on the minus strand). VCF-style: chr11-64736849-C-T. GRCh37 (hg19) VCF-style: chr11-64504321-C-T.
Other names: p.Lys333=; c.999G>A, p.Lys333= (NM_001098670.2, NM_153819.2); c.564G>A, p.Lys188= (NM_001318398.2).
Identifiers: ClinVar variation 2047727 (VCV002047727.5), dbSNP rs374345558, ClinGen allele CA6079060.

ClinVar aggregate classification (germline): Likely benign. Review status: criteria provided, multiple submitters, no conflicts (2 of 4 stars). 2 submissions from 2 submitters: Likely benign (2). Last evaluated 2025-10-12.

Allele frequency attached by ClinVar (database versions not stated): ExAC 0.00017; gnomAD 0.00021; TOPMed 0.00025; gnomAD exomes 0.00036; ESP Exome Variant Server 0.00046.
gnomAD v4.1: 550 of 1,613,478 alleles (0.034%); highest among the groups gnomAD compares: Non-Finnish European, 0.044%; no homozygotes.

Submissions (2):

Labcorp Genetics (formerly Invitae), Labcorp
Classification: Likely benign. Last evaluated: 2025-10-12. Review status: criteria provided, single submitter. Criteria: Invitae Variant Classification Sherloc (09022015). Collection method: clinical testing. Allele origin: germline.

Mayo Clinic Laboratories, Mayo Clinic
Classification: Likely benign. Last evaluated: 2025-08-27. Review status: criteria provided, single submitter. Criteria: ACMG Guidelines, 2015. Collection method: clinical testing. Allele origin: germline. Observed: 1 variant allele.
Comment: BP4, BP7